The following is an entry in ClinVar:

NM_172201.2(KCNE2):c.344G>T (p.Gly115Val)

Genes: KCNE2 (potassium voltage-gated channel subfamily E regulatory subunit 2; plus strand), LOC105372791 (uncharacterized LOC105372791; minus strand). Cytogenetic location: 21q22.11.
Variant type: single nucleotide variant.
Coding change: c.344G>T on transcript NM_172201.2 (MANE Select); coding-DNA position 344, G replaced by T.
Protein change: p.Gly115Val; replaces glycine 115 with valine.
Molecular consequence: missense variant.
Genome position (GRCh38, 1-based): chr21:34,370,822, G>T. VCF-style: chr21-34370822-G-T. GRCh37 (hg19) VCF-style: chr21-35743121-G-T.
Other names: c.344G>T (NM_172201.1); short protein forms G115V.
Identifiers: ClinVar variation 1003090 (VCV001003090.10), dbSNP rs1349032678, ClinGen allele CA410197197.

ClinVar aggregate classification (germline): Uncertain significance. Review status: criteria provided, multiple submitters, no conflicts (2 of 4 stars). 2 submissions from 2 submitters: Uncertain significance (2). Last evaluated 2025-09-21.

Conditions:
Cardiovascular phenotype. Identifiers: MedGen CN230736.
Long QT syndrome 6 (LQT6). Identifiers: Orphanet 101016, Orphanet 768, MedGen C3150953, MONDO:0013370, OMIM 613693.

Allele frequency attached by ClinVar (database versions not stated): gnomAD exomes below 0.00001 and 0.00001; TOPMed below 0.00001.
gnomAD v4.1: 9 of 1,614,136 alleles (0.00056%); highest among the groups gnomAD compares: African/African-American, 0.0027%; no homozygotes.

Submissions (2):

Ambry Genetics
Classification: Uncertain significance for Cardiovascular phenotype. Last evaluated: 2025-09-21. Review status: criteria provided, single submitter. Criteria: Ambry Variant Classification Scheme 2023. Collection method: clinical testing. Allele origin: germline.
Comment: The p.G115V variant (also known as c.344G>T), located in coding exon 1 of the KCNE2 gene, results from a G to T substitution at nucleotide position 344. The glycine at codon 115 is replaced by valine, an amino acid with dissimilar properties. This amino acid position is conserved. In addition, the in silico prediction for this alteration is inconclusive. Based on the available evidence, the clinical significance of this variant remains unclear.

Labcorp Genetics (formerly Invitae), Labcorp
Classification: Uncertain significance for Long QT syndrome 6. Last evaluated: 2017-10-26. Review status: criteria provided, single submitter. Criteria: Invitae Variant Classification Sherloc (09022015). Collection method: clinical testing. Allele origin: germline.
Comment: This variant is not present in population databases (ExAC no frequency). This sequence change replaces glycine with valine at codon 115 of the KCNE2 protein (p.Gly115Val). The glycine residue is highly conserved and there is a moderate physicochemical difference between glycine and valine. This variant has not been reported in the literature in individuals with KCNE2-related disease. Algorithms developed to predict the effect of missense changes on protein structure and function do not agree on the potential impact of this missense change (SIFT: "Deleterious"; PolyPhen-2: "Possibly Damaging"; Align-GVGD: "Class C0"). In summary, the available evidence is currently insufficient to determine the role of this variant in disease. Therefore, it has been classified as a Variant of Uncertain Significance.